The following is an entry in ClinVar:

ClinVar aggregate classification (germline): Uncertain significance. Review status: criteria provided, multiple submitters, no conflicts (2 of 4 stars). 5 submissions from 5 submitters: Uncertain significance (5). Last evaluated 2025-08-08.

Conditions:
Hereditary cancer-predisposing syndrome. Also called: Neoplastic Syndromes, Hereditary; Tumor predisposition; Hereditary Cancer Syndrome; Hereditary neoplastic syndrome. Identifiers: Orphanet 140162, MedGen C0027672, MeSH D009386, MONDO:0015356.
Familial cancer of breast. Also called: BREAST CANCER, FAMILIAL; hereditary breast carcinoma; Hereditary breast cancer. Identifiers: Orphanet 227535, MedGen C0346153, MONDO:0016419, OMIM 114480. Disease mechanism: loss of function.
Hereditary breast ovarian cancer syndrome. Also called: BRCA1- and BRCA2-Associated Hereditary Breast and Ovarian Cancer; Hereditary breast and ovarian cancer syndrome; Hereditary breast and ovarian cancer; Hereditary breast and ovarian cancer syndrome (HBOC); Breast and ovarian cancer; Hereditary breast and/or ovarian cancer syndrome. Identifiers: Orphanet 145, MedGen C0677776, MeSH D061325, MONDO:0003582. Disease mechanism: loss of function.

Allele frequency attached by ClinVar (database versions not stated): gnomAD exomes 0.00001; ExAC 0.00002.
gnomAD v4.1: 10 of 1,614,192 alleles (0.00062%); highest among the groups gnomAD compares: South Asian, 0.011%; no homozygotes.

Submissions (5):

Ambry Genetics
Classification: Uncertain significance for Hereditary cancer-predisposing syndrome. Last evaluated: 2025-08-08. Review status: criteria provided, single submitter. Criteria: Ambry Variant Classification Scheme 2023. Collection method: clinical testing. Allele origin: germline.
Comment: The p.F677L variant (also known as c.2029T>C), located in coding exon 11 of the BARD1 gene, results from a T to C substitution at nucleotide position 2029. The phenylalanine at codon 677 is replaced by leucine, an amino acid with highly similar properties. This amino acid position is highly conserved in available vertebrate species. In addition, the in silico prediction for this alteration is inconclusive. Since supporting evidence is limited at this time, the clinical significance of this alteration remains unclear.

Labcorp Genetics (formerly Invitae), Labcorp
Classification: Uncertain significance for Familial cancer of breast. Last evaluated: 2024-12-24. Review status: criteria provided, single submitter. Criteria: Invitae Variant Classification Sherloc (09022015). Collection method: clinical testing. Allele origin: germline.
Comment: This sequence change replaces phenylalanine, which is neutral and non-polar, with leucine, which is neutral and non-polar, at codon 677 of the BARD1 protein (p.Phe677Leu). This variant is present in population databases (rs746790711, gnomAD 0.01%). This variant has not been reported in the literature in individuals affected with BARD1-related conditions. ClinVar contains an entry for this variant (Variation ID: 230996). An algorithm developed to predict the effect of missense changes on protein structure and function (PolyPhen-2) suggests that this variant is likely to be disruptive. In summary, the available evidence is currently insufficient to determine the role of this variant in disease. Therefore, it has been classified as a Variant of Uncertain Significance.

Fulgent Genetics
Classification: Uncertain significance for Familial cancer of breast. Last evaluated: 2024-04-20. Review status: criteria provided, single submitter. Criteria: ACMG Guidelines, 2015. Collection method: clinical testing. Allele origin: germline.

National Health Laboratory Service, Universitas Academic Hospital and University of the Free State
Classification: Uncertain significance for Hereditary breast ovarian cancer syndrome. Last evaluated: 2022-04-19. Review status: criteria provided, single submitter. Criteria: ACMG Guidelines, 2015. Collection method: clinical testing. Allele origin: germline. Affected: yes. Observed: 1 variant allele.

Color Diagnostics, LLC DBA Color Health
Classification: Uncertain significance for Hereditary cancer-predisposing syndrome. Last evaluated: 2021-01-19. Review status: criteria provided, single submitter. Criteria: ACMG Guidelines, 2015. Collection method: clinical testing. Allele origin: germline.
Comment: This missense variant replaces phenylalanine with leucine at codon 677 of the BARD1 protein. Computational prediction is inconclusive regarding the impact of this variant on protein structure and function (internally defined REVEL score threshold 0.5 < inconclusive < 0.7, PMID: 27666373). A functional study has shown that this variant protein leads to mildly reduced homology-directed repair activity in a mammalian cell-based assay (PMID: 30925164). To our knowledge, this variant has not been reported in individuals affected with hereditary cancer in the literature. This variant has been identified in 3/250986 chromosomes in the general population by the Genome Aggregation Database (gnomAD). The available evidence is insufficient to determine the role of this variant in disease conclusively. Therefore, this variant is classified as a Variant of Uncertain Significance.

NM_000465.4(BARD1):c.2029T>C (p.Phe677Leu)

Gene: BARD1 (BRCA1 associated RING domain 1; minus strand). Cytogenetic location: 2q35.
Variant type: single nucleotide variant.
Coding change: c.2029T>C on transcript NM_000465.4 (MANE Select); coding-DNA position 2029, T replaced by C.
Protein change: p.Phe677Leu; replaces phenylalanine 677 with leucine.
Molecular consequence: missense variant. On other transcripts: non-coding transcript variant (3).
Genome position (GRCh38, 1-based): chr2:214,728,981, A>G on the plus strand (T>C on the coding strand, the complement: BARD1 is on the minus strand). VCF-style: chr2-214728981-A-G. GRCh37 (hg19) VCF-style: chr2-215593705-A-G.
Other names: NP_000456.2:p.Phe677Leu; c.1972T>C, p.Phe658Leu (NM_001282543.2); c.676T>C, p.Phe226Leu (NM_001282545.2); c.619T>C, p.Phe207Leu (NM_001282548.2); c.490T>C, p.Phe164Leu (NM_001282549.2); short protein forms F677L, F658L, F164L, F207L, F226L.
Identifiers: ClinVar variation 230996 (VCV000230996.18), dbSNP rs746790711, ClinGen allele CA2090085.